The following is an entry in ClinVar:

ClinVar aggregate classification (germline): Uncertain significance (1 of 4 stars; one submission).

Conditions:
Telangiectasia, hereditary hemorrhagic, type 5 (HHT5). Identifiers: Orphanet 774, MedGen C3809710, MONDO:0014217, OMIM 615506.

Allele frequency attached by ClinVar (database versions not stated): gnomAD exomes below 0.00001; gnomAD 0.00001; TOPMed 0.00002.

Submission:

Labcorp Genetics (formerly Invitae), Labcorp
Classification: Uncertain significance for Telangiectasia, hereditary hemorrhagic, type 5. Last evaluated: 2023-12-14. Review status: criteria provided, single submitter. Criteria: Invitae Variant Classification Sherloc (09022015). Collection method: clinical testing. Allele origin: germline.
Comment: This sequence change replaces alanine, which is neutral and non-polar, with valine, which is neutral and non-polar, at codon 391 of the GDF2 protein (p.Ala391Val). This variant is present in population databases (no rsID available, gnomAD 0.0009%). This variant has not been reported in the literature in individuals affected with GDF2-related conditions. An algorithm developed to predict the effect of missense changes on protein structure and function (PolyPhen-2) suggests that this variant is likely to be disruptive. In summary, the available evidence is currently insufficient to determine the role of this variant in disease. Therefore, it has been classified as a Variant of Uncertain Significance.

NM_016204.4(GDF2):c.1172C>T (p.Ala391Val)

Gene: GDF2 (growth differentiation factor 2; plus strand). Cytogenetic location: 10q11.22.
Variant type: single nucleotide variant.
Coding change: c.1172C>T on transcript NM_016204.4 (MANE Select); coding-DNA position 1172, C replaced by T.
Protein change: p.Ala391Val; replaces alanine 391 with valine.
Molecular consequence: missense variant.
Genome position (GRCh38, 1-based): chr10:47,325,666, C>T. VCF-style: chr10-47325666-C-T. GRCh37 (hg19) VCF-style: chr10-48413696-G-A.
Other names: short protein forms A391V.
Identifiers: ClinVar variation 2733543 (VCV002733543.3), dbSNP rs1401445550, ClinGen allele CA376658336.